The following is an entry in ClinVar:

ClinVar aggregate classification (germline): Uncertain significance. Review status: criteria provided, multiple submitters, no conflicts (2 of 4 stars). 2 submissions from 2 submitters: Uncertain significance (2). Last evaluated 2024-10-28.

Allele frequency attached by ClinVar (database versions not stated): ExAC 0.00001; gnomAD exomes 0.00006; TOPMed 0.00006; gnomAD 0.00007; ESP Exome Variant Server 0.00015.
gnomAD v4.1: 96 of 1,602,098 alleles (0.006%); highest among the groups gnomAD compares: East Asian, 0.0089%; no homozygotes.

Submissions (2):

Blueprint Genetics
Classification: Uncertain significance. Last evaluated: 2024-10-28. Review status: criteria provided, single submitter. Criteria: ACMG Guidelines, 2015. Collection method: clinical testing. Allele origin: germline.

Labcorp Genetics (formerly Invitae), Labcorp
Classification: Uncertain significance. Last evaluated: 2022-12-26. Review status: criteria provided, single submitter. Criteria: Invitae Variant Classification Sherloc (09022015). Collection method: clinical testing. Allele origin: germline.
Comment: Algorithms developed to predict the effect of missense changes on protein structure and function (SIFT, PolyPhen-2, Align-GVGD) all suggest that this variant is likely to be tolerated. This sequence change replaces threonine, which is neutral and polar, with isoleucine, which is neutral and non-polar, at codon 14 of the KANK2 protein (p.Thr14Ile). This variant is present in population databases (rs371037014, gnomAD 0.005%). This variant has not been reported in the literature in individuals affected with KANK2-related conditions. In summary, the available evidence is currently insufficient to determine the role of this variant in disease. Therefore, it has been classified as a Variant of Uncertain Significance.

NM_001136191.3(KANK2):c.41C>T (p.Thr14Ile)

Gene: KANK2 (KN motif and ankyrin repeat domains 2; minus strand). Cytogenetic location: 19p13.2.
Variant type: single nucleotide variant.
Coding change: c.41C>T on transcript NM_001136191.3 (MANE Select); coding-DNA position 41, C replaced by T.
Protein change: p.Thr14Ile; replaces threonine 14 with isoleucine.
Molecular consequence: missense variant.
Genome position (GRCh38, 1-based): chr19:11,194,039, G>A on the plus strand (C>T on the coding strand, the complement: KANK2 is on the minus strand). VCF-style: chr19-11194039-G-A. GRCh37 (hg19) VCF-style: chr19-11304715-G-A.
Other names: c.41C>T, p.Thr14Ile (NM_001329451.2, NM_001379548.1, NM_001379549.1 and 15 more transcripts); short protein forms T14I.
Identifiers: ClinVar variation 2891445 (VCV002891445.4), dbSNP rs371037014, ClinGen allele CA9206170.